The following is an entry in ClinVar:

ClinVar aggregate classification (germline): Benign (1 of 4 stars; one submission).

Submission:

Unidad de Genómica Garrahan, Hospital de Pediatría Garrahan
Classification: Benign. Last evaluated: 2024-07-15. Review status: criteria provided, single submitter. Criteria: ACMG Guidelines, 2015. Collection method: clinical testing. Allele origin: germline. Affected: no. Observed: 31 variant alleles.
Comment: This variant is classified as Benign based on local population frequency. This variant was detected in 33% of patients studied in a panel designed for Epileptic and Developmental Encephalopathy and Progressive Myoclonus Epilepsy. Number of patients: 31. Only high quality variants are reported.

NM_001365536.1(SCN9A):c.1975-72dup

Genes: SCN1A-AS1 (SCN1A and SCN9A antisense RNA 1; plus strand), SCN9A (sodium voltage-gated channel alpha subunit 9; minus strand). Cytogenetic location: 2q24.3.
Variant type: Duplication.
Coding change: c.1975-72dup on transcript NM_001365536.1 (MANE Select); 72 bases into the intron before coding-DNA position 1975, one base duplicated (A; older notation c.1975-72dupA).
Molecular consequence: intron variant.
Genome position (GRCh38, 1-based): chr2:166,281,880, T duplicated on the plus strand (A on the coding strand, the reverse complement: SCN9A is on the minus strand); the first of 2 consecutive T bases (chr2:166,281,880-166,281,881); duplicating either gives the same sequence. VCF-style (leftmost placement, unchanged base first): chr2-166281879-C-CT. GRCh37 (hg19) VCF-style: chr2-167138389-C-CT.
Other names: c.1942-72dup (NM_002977.4).
Identifiers: ClinVar variation 3255293 (VCV003255293.2), dbSNP rs34570325.
Genomic context (GRCh38, chr2:166,281,879, plus strand): 5'-AATCAATTAATGTCTTAAGAACAGAATCCTAATAAATTGTAGGTATAAGATAAAATCTTG[C>CT]TTATATAGCTGTAGTGAGTAATTAAAAGTAGAGCCTAGATTGCTGGGTTCAAATTATGGC-3'